The following is an entry in ClinVar:

NM_000038.6(APC):c.638G>T (p.Arg213Leu)

Gene: APC (APC regulator of Wnt signaling pathway; plus strand). Cytogenetic location: 5q22.2.
Variant type: single nucleotide variant.
Coding change: c.638G>T on transcript NM_000038.6 (MANE Select); coding-DNA position 638, G replaced by T.
Protein change: p.Arg213Leu; replaces arginine 213 with leucine.
Molecular consequence: missense variant. On other transcripts: 5 prime UTR variant (4), non-coding transcript variant (2).
Genome position (GRCh38, 1-based): chr5:112,780,896, G>T. VCF-style: chr5-112780896-G-T. GRCh37 (hg19) VCF-style: chr5-112116593-G-T.
Other names: c.638G>T, p.Arg213Leu (NM_001127510.3, NM_001354895.2, NM_001354896.2 and 16 more transcripts); c.668G>T, p.Arg223Leu (NM_001127511.3, NM_001354897.2, NM_001354902.2 and 1 more transcripts); c.563G>T, p.Arg188Leu (NM_001354898.2, NM_001354904.2, NM_001407451.1); c.461G>T, p.Arg154Leu (NM_001354900.2, NM_001354901.2, NM_001354905.2 and 1 more transcripts); c.-398G>T (NM_001354906.2, NM_001407470.1, NM_001407471.1 and 1 more transcripts); short protein forms R188L, R223L, R154L, R213L.
Identifiers: ClinVar variation 2748925 (VCV002748925.3), dbSNP rs1235428754, ClinGen allele CA16022737.

ClinVar aggregate classification (germline): Uncertain significance (1 of 4 stars; one submission).

Conditions:
Familial adenomatous polyposis 1 (FAP1). Also called: FAMILIAL ADENOMATOUS POLYPOSIS 1, ATTENUATED; POLYPOSIS, ADENOMATOUS INTESTINAL. Identifiers: MedGen C2713442, MONDO:0021056, OMIM 175100. Disease mechanism: loss of function.

Submission:

Labcorp Genetics (formerly Invitae), Labcorp
Classification: Uncertain significance for Familial adenomatous polyposis 1. Last evaluated: 2023-08-01. Review status: criteria provided, single submitter. Criteria: Invitae Variant Classification Sherloc (09022015). Collection method: clinical testing. Allele origin: germline.
Comment: In summary, the available evidence is currently insufficient to determine the role of this variant in disease. Therefore, it has been classified as a Variant of Uncertain Significance. Advanced modeling of protein sequence and biophysical properties (such as structural, functional, and spatial information, amino acid conservation, physicochemical variation, residue mobility, and thermodynamic stability) has been performed at Invitae for this missense variant, however the output from this modeling did not meet the statistical confidence thresholds required to predict the impact of this variant on APC protein function. This variant has not been reported in the literature in individuals affected with APC-related conditions. This variant is not present in population databases (gnomAD no frequency). This sequence change replaces arginine, which is basic and polar, with leucine, which is neutral and non-polar, at codon 213 of the APC protein (p.Arg213Leu).